The following is an entry in ClinVar:

ClinVar aggregate classification (germline): Uncertain significance. Review status: criteria provided, multiple submitters, no conflicts (2 of 4 stars). 2 submissions from 2 submitters: Uncertain significance (2). Last evaluated 2026-05-14.

Conditions:
Immunodeficiency 96 (IMD96). Identifiers: MedGen C5676930, MONDO:0030693, OMIM 619774.

Allele frequency attached by ClinVar (database versions not stated): gnomAD 0.00004; gnomAD exomes 0.00011 and 0.00015; TOPMed 0.00012; ExAC 0.00016.
gnomAD v4.1: 166 of 1,613,350 alleles (0.01%); highest among the groups gnomAD compares: East Asian, 0.033%; no homozygotes.

Submissions (2):

Division of Clinical Immunology and Allergy, Necmettin Erbakan University, Faculty of Medicine
Classification: Uncertain significance for Immunodeficiency 96. Last evaluated: 2026-05-14. Review status: criteria provided, single submitter. Criteria: ACMG Guidelines, 2015. Collection method: clinical testing. Allele origin: germline. Affected: yes. Observed: 1 variant allele.

Labcorp Genetics (formerly Invitae), Labcorp
Classification: Uncertain significance. Last evaluated: 2022-10-04. Review status: criteria provided, single submitter. Criteria: Invitae Variant Classification Sherloc (09022015). Collection method: clinical testing. Allele origin: germline.
Comment: This sequence change replaces arginine, which is basic and polar, with histidine, which is basic and polar, at codon 94 of the LIG1 protein (p.Arg94His). This variant is present in population databases (rs41549918, gnomAD 0.09%). This variant has not been reported in the literature in individuals affected with LIG1-related conditions. ClinVar contains an entry for this variant (Variation ID: 1422844). Algorithms developed to predict the effect of missense changes on protein structure and function output the following: SIFT: "Tolerated"; PolyPhen-2: "Benign"; Align-GVGD: "Class C0". The histidine amino acid residue is found in multiple mammalian species, which suggests that this missense change does not adversely affect protein function. In summary, the available evidence is currently insufficient to determine the role of this variant in disease. Therefore, it has been classified as a Variant of Uncertain Significance.

NM_000234.3(LIG1):c.281G>A (p.Arg94His)

Gene: LIG1 (DNA ligase 1; minus strand). Cytogenetic location: 19q13.33.
Variant type: single nucleotide variant.
Coding change: c.281G>A on transcript NM_000234.3 (MANE Select); coding-DNA position 281, G replaced by A.
Protein change: p.Arg94His; replaces arginine 94 with histidine.
Molecular consequence: missense variant. On other transcripts: non-coding transcript variant (6).
Genome position (GRCh38, 1-based): chr19:48,157,103, C>T on the plus strand (G>A on the coding strand, the complement: LIG1 is on the minus strand). VCF-style: chr19-48157103-C-T. GRCh37 (hg19) VCF-style: chr19-48660360-C-T.
Other names: c.191G>A, p.Arg64His (NM_001289063.2, NM_001320971.2); c.281G>A, p.Arg94His (NM_001289064.2, NM_001320970.2); short protein forms R64H, R94H.
Identifiers: ClinVar variation 1422844 (VCV001422844.4), dbSNP rs41549918, ClinGen allele CA9547367.